The following is an entry in ClinVar:

ClinVar aggregate classification (germline): Uncertain significance. Review status: criteria provided, multiple submitters, no conflicts (2 of 4 stars). 2 submissions from 2 submitters: Uncertain significance (2). Last evaluated 2025-06-23.

Allele frequency attached by ClinVar (database versions not stated): TOPMed 0.00022; ESP Exome Variant Server 0.00023; gnomAD 0.00023.

Submissions (2):

Ambry Genetics
Classification: Uncertain significance. Last evaluated: 2025-06-23. Review status: criteria provided, single submitter. Criteria: Ambry Variant Classification Scheme 2023. Collection method: clinical testing. Allele origin: germline.

Labcorp Genetics (formerly Invitae), Labcorp
Classification: Uncertain significance. Last evaluated: 2023-11-28. Review status: criteria provided, single submitter. Criteria: Invitae Variant Classification Sherloc (09022015). Collection method: clinical testing. Allele origin: germline.
Comment: This sequence change replaces alanine, which is neutral and non-polar, with threonine, which is neutral and polar, at codon 779 of the TNK2 protein (p.Ala779Thr). This variant is present in population databases (rs374499086, gnomAD 0.04%). This variant has not been reported in the literature in individuals affected with TNK2-related conditions. An algorithm developed to predict the effect of missense changes on protein structure and function (PolyPhen-2) suggests that this variant is likely to be tolerated. In summary, the available evidence is currently insufficient to determine the role of this variant in disease. Therefore, it has been classified as a Variant of Uncertain Significance.

NM_001382273.1(TNK2):c.2146G>A (p.Ala716Thr)

Gene: TNK2 (tyrosine kinase non receptor 2; minus strand). Cytogenetic location: 3q29.
Variant type: single nucleotide variant.
Coding change: c.2146G>A on transcript NM_001382273.1 (MANE Select); coding-DNA position 2146, G replaced by A.
Protein change: p.Ala716Thr; replaces alanine 716 with threonine.
Molecular consequence: missense variant. On other transcripts: non-coding transcript variant (15).
Genome position (GRCh38, 1-based): chr3:195,868,152, C>T on the plus strand (G>A on the coding strand, the complement: TNK2 is on the minus strand). VCF-style: chr3-195868152-C-T. GRCh37 (hg19) VCF-style: chr3-195595023-C-T.
Other names: c.2218G>A, p.Ala740Thr (NM_001010938.2, NM_001382272.1); c.2197G>A, p.Ala733Thr (NM_001308046.2, NM_001382271.1); c.2146G>A, p.Ala716Thr (NM_001382274.1, NM_001387716.1, NM_001387717.1 and 1 more transcripts); c.2242G>A, p.Ala748Thr (NM_001382275.1, NM_001387707.1); c.2101G>A, p.Ala701Thr (NM_001386164.1, NM_001387709.1, NM_001387710.1 and 8 more transcripts); c.2173G>A, p.Ala725Thr (NM_001387708.1, NM_001387715.1); c.2335G>A (NM_001010938.1); short protein forms A701T, A716T, A725T, A748T, A740T, A733T.
Identifiers: ClinVar variation 2880832 (VCV002880832.4), dbSNP rs374499086, ClinGen allele CA2776051.